The following continues an entry in ClinVar:

NM_000051.4(ATM):c.2921+1G>A

Gene: ATM. ClinVar aggregate classification (germline): Pathogenic. Pathogenic (29). ClinVar aggregate classification (oncogenicity): Oncogenic.

Submissions 11 to 22 of 35:

Victorian Clinical Genetics Services, Murdoch Childrens Research Institute
Classification: Pathogenic for Familial cancer of breast. Last evaluated: 2024-10-10. Review status: criteria provided, single submitter. Criteria: ACMG Guidelines, 2015. Collection method: clinical testing. Allele origin: germline. Inheritance: Autosomal dominant inheritance.
Comment: Based on the classification scheme VCGS_Germline_v1.3.4, this variant is classified as Pathogenic. Following criteria are met: 0102 - Loss of function is a known mechanism of disease in this gene and is associated with ataxia-telangiectasia (MIM#208900) and susceptibility to breast cancer (MIM#114480). (I) 0108 - This gene is associated with both recessive and dominant disease. Biallelic variants in this gene result in ataxia-telangiectasia; however, heterozygous carriers of specific pathogenic variants have an increased risk of breast cancer (PMID: 27595995). Germline variants in this gene may also contribute to increased risk of other cancers including gastric, colorectal, and pancreatic cancers, however the risk is not well-established at this stage (PMIDs: 22585167, 27978560, 26506520). (I) 0115 - Variants in this gene are known to have variable expressivity with regard to ataxia-telangiectasia. Variable age of onset and rate of disease progression have been reported for affected individuals within the same family (PMIDs: 20301790, 27884168). (I) 0210 - Splice site variant proven to affect splicing of the transcript with a known effect on protein sequence. cDNA analysis demonstrates that this variant causes exon skipping, the deletion of 83 nucleotides results in a stop gain downstream that is predicted to undergo nonsense-mediated decay (PMID: 11298136). (SP) 0251 - This variant is heterozygous. (I) 0304 - Variant is present in gnomAD (v4) <0.01 (16 heterozygotes, 0 homozygotes). (SP) 0309 - An alternative amino acid change at the same position has been observed in gnomAD (v4) (6 heterozygotes, 0 homozygotes). (I) 0701 - Other NMD-predicted variants comparable to the one identified in this case have very strong previous evidence for pathogenicity (DECIPHER). In addition, other changes at the same canonical splice region (c.2921+1G>C, c.2921+1G>T and c.2921+2T>G) have also been classified as likely pathogenic and pathogenic by multiple clinical laboratories in ClinVar. (SP) 0801 - This variant has strong previous evidence of pathogenicity in unrelated individuals. This variant has been reported many times as pathogenic in compound heterozygotes and homozygotes with ataxia-telangiecstasia (MIM#208900) and in heterozygous breast cancer patients (ClinVar, PMID: 34204722). (SP) 1208 - Inheritance information for this variant is not currently available in this individual. (I) Legend: (SP) - Supporting pathogenic, (I) - Information, (SB) - Supporting benign

3billion
Classification: Pathogenic for Ataxia-telangiectasia syndrome. Last evaluated: 2024-07-23. Review status: criteria provided, single submitter. Criteria: ACMG Guidelines, 2015. Collection method: clinical testing. Allele origin: germline. Affected: yes.
Comment: The variant is observed at an extremely low frequency in the gnomAD v4.0.0 dataset (total allele frequency: <0.001%). Predicted Consequence/Location: Canonical splice site: predicted to alter splicing and result in a loss or disruption of normal protein function. Multiple pathogenic loss-of-function variants are reported downstream of the variant. In silico tools predict the variant to alter splicing and produce an abnormal transcript [SpliceAI: 0.91 (spliceogenicity >=0.2, non-spliceogenicity <0.1)]. The variant has been reported at least twice as pathogenic with clinical assertions and evidence for the classification (ClinVar ID: VCV000141182 /PMID: 8845835). Therefore, this variant is classified as Pathogenic according to the recommendation of ACMG/AMP guideline.

Color Diagnostics, LLC DBA Color Health
Classification: Pathogenic for Hereditary cancer-predisposing syndrome. Last evaluated: 2024-04-30. Review status: criteria provided, single submitter. Criteria: ACMG Guidelines, 2015. Collection method: clinical testing. Allele origin: germline.
Comment: This variant, also known as IVS21+1G>A and 2839del83, causes a G to A nucleotide substitution at the +1 position of intron 19 of the ATM gene. An RNA study has shown that this variant causes the skipping of exon 19 (also known as exon 21 in the literature), creating a premature translation stop signal in the RNA transcript (PMID: 11298136). The aberrant transcript is expected to result in an absent or non-functional protein product. This variant has been observed in individuals affected with familial breast cancer (PMID: 33462019, 34204722) and prostate cancer (PMID: 31214711, 32315455, 35652560). This variant has also been reported in homozygous and compound heterozygous state in individuals affected with ataxia-telangiectasia (PMID: 8845835, 11298136, 12673797, 12815592, 23322442, 34337741). This variant has been identified in 6/251304 chromosomes in the general population by the Genome Aggregation Database (gnomAD). Loss of ATM function is a known mechanism of disease. Based on the available evidence, this variant is classified as Pathogenic.

Baylor Genetics
Classification: Pathogenic for Familial cancer of breast. Last evaluated: 2024-03-11. Review status: criteria provided, single submitter. Criteria: ACMG Guidelines, 2015. Collection method: clinical testing. Allele origin: unknown.

Myriad Genetics, Inc.
Classification: Pathogenic for Familial cancer of breast. Last evaluated: 2024-01-18. Review status: criteria provided, single submitter. Criteria: Myriad Autosomal Dominant, Autosomal Recessive and X-Linked Classification Criteria (2023). Collection method: clinical testing. Allele origin: unknown.
Comment: This variant is considered pathogenic. This variant occurs within a consensus splice junction and is predicted to result in abnormal mRNA splicing of either an out-of-frame exon or an in-frame exon necessary for protein stability and/or normal function. This variant has been reported in multiple individuals with clinical features of gene-specific disease [PMID: 8845835, 10425038, 12815592, 23322442, 31741144].

Fulgent Genetics
Classification: Pathogenic for Familial cancer of breast; Ataxia-telangiectasia syndrome. Last evaluated: 2023-12-27. Review status: criteria provided, single submitter. Criteria: ACMG Guidelines, 2015. Collection method: clinical testing. Allele origin: germline.

Department of Pathology and Laboratory Medicine, Sinai Health System
Classification: Pathogenic for Familial cancer of breast; Ataxia-telangiectasia syndrome. Last evaluated: 2023-11-28. Review status: criteria provided, single submitter. Criteria: ACMG Guidelines, 2015. Collection method: clinical testing. Allele origin: germline. Affected: no.

CeGaT Center for Human Genetics Tuebingen
Classification: Pathogenic. Last evaluated: 2023-05-01. Review status: criteria provided, single submitter. Criteria: CeGaT Center For Human Genetics Tuebingen Variant Classification Criteria Version 2. Collection method: clinical testing. Allele origin: germline. Affected: yes. Observed: 1 variant allele.
Comment: ATM: PVS1, PM3:Strong, PM2, PS3:Supporting

Illumina Laboratory Services, Illumina
Classification: Pathogenic for Ataxia-telangiectasia syndrome. Last evaluated: 2023-03-14. Review status: criteria provided, single submitter. Criteria: ICSLVariantClassificationCriteria RUGD 01 April 2020. Collection method: clinical testing. Allele origin: unknown.
Comment: The ATM c.2921+1G>A variant results in the substitution of a guanine within the consensus splice donor site with an adenine which has been shown to result in splicing defects (PMID: 11298136). This variant has been reported in at least three individuals with ataxia-telangiectasia including in two individuals in a homozygous state and in one individual in a compound heterozygous state (PMID: 8845835; PMID: 12673797). This variant is reported in the Genome Aggregation Database in two alleles at a frequency of 0.000123 in the African/African American population. The c.2921+1G>A variant was identified in trans with a second ATM variant. Based on the available evidence, the c.2921+1G>A variant is classified as pathogenic for ataxia-telangiectasia.

GeneDx
Classification: Pathogenic. Last evaluated: 2022-10-12. Review status: criteria provided, single submitter. Criteria: GeneDx Variant Classification Process June 2021. Collection method: clinical testing. Allele origin: germline. Affected: yes.
Comment: Canonical splice site variant in a gene for which loss-of-function is a known mechanism of disease (Garcia-Perez et al., 2001); Not observed at significant frequency in large population cohorts (gnomAD); Also known as IVS21+1G>A; This variant is associated with the following publications: (PMID: 11382771, 29486991, 28888541, 25525159, 12815592, 10425038, 11298136, 23322442, 10330348, 21445571, 21665257, 12673797, 12552559, 24663073, 27443514, 28152038, 8845835, 26689913, 32832836, 31589614, 32427313, 33280026, 32853339, 33462019, 32782288, 29625052, 29922827, 31214711, 31741144, 31050087, 1300551, 8968760, 34204722, 25614872)

Laboratorio de Genetica e Diagnostico Molecular, Hospital Israelita Albert Einstein
Classification: Pathogenic for Ataxia-telangiectasia syndrome. Last evaluated: 2022-08-25. Review status: criteria provided, single submitter. Criteria: ACMG Guidelines, 2015. Collection method: clinical testing. Allele origin: germline. Affected: yes. Observed: 1 variant allele.
Comment: ACMG classification criteria: PVS1 very strong, PS4 strong, PM2 moderated, PM3 strong

Sema4
Classification: Pathogenic for Hereditary cancer-predisposing syndrome. Last evaluated: 2022-02-08. Review status: criteria provided, single submitter. Criteria: Sema4 Curation Guidelines. Collection method: curation. Allele origin: germline.
Comment: The ATM c.2921+1G>A variant has been reported in heterozygosity in at least five individuals with breast cancer and ovarian cancer (PMID: 1300551,34204722, 33280026) and five individuals with ataxia-telangiectasia (PMID: 23322442, 11298136,10425038,12815592). This variant is predicted to destroy the canonical splice donor site leading to an abnormal or absent protein. Loss of function variants in ATM are known to be pathogenic (PMID: 31050087). This variant was observed in 2/16230 chromosomes in the African American (AFR) population, according to the Genome Aggregation Database (PMID: 32461654). This variant has been reported in ClinVar (Variation ID 141182).Based on the current evidence available, this variant is interpreted as pathogenic.